The following is an entry in ClinVar:

ClinVar aggregate classification (germline): Uncertain significance (1 of 4 stars; one submission).

Conditions:
Long QT syndrome (LQTS). Identifiers: MedGen C0023976, MeSH D008133, MONDO:0002442. Disease mechanism: loss of function. Inheritance: Various modes of inheritance.

Allele frequency attached by ClinVar (database versions not stated): gnomAD exomes below 0.00001.
gnomAD v4.1: 1 of 1,613,714 alleles (0.000062%); highest among the groups gnomAD compares: Non-Finnish European, 0.000085%; no homozygotes.

Submission:

Labcorp Genetics (formerly Invitae), Labcorp
Classification: Uncertain significance for Long QT syndrome. Last evaluated: 2022-04-30. Review status: criteria provided, single submitter. Criteria: Invitae Variant Classification Sherloc (09022015). Collection method: clinical testing. Allele origin: germline.
Comment: In summary, the available evidence is currently insufficient to determine the role of this variant in disease. Therefore, it has been classified as a Variant of Uncertain Significance. Algorithms developed to predict the effect of missense changes on protein structure and function are either unavailable or do not agree on the potential impact of this missense change (SIFT: "Deleterious"; PolyPhen-2: "Benign"; Align-GVGD: "Class C0"). This variant has not been reported in the literature in individuals affected with AKAP9-related conditions. This variant is not present in population databases (gnomAD no frequency). This sequence change replaces glutamic acid, which is acidic and polar, with glycine, which is neutral and non-polar, at codon 1294 of the AKAP9 protein (p.Glu1294Gly).

NM_005751.5(AKAP9):c.3881A>G (p.Glu1294Gly)

Gene: AKAP9 (A-kinase anchoring protein 9; plus strand). Cytogenetic location: 7q21.2.
Variant type: single nucleotide variant.
Coding change: c.3881A>G on transcript NM_005751.5 (MANE Select); coding-DNA position 3881, A replaced by G.
Protein change: p.Glu1294Gly; replaces glutamic acid 1294 with glycine.
Molecular consequence: missense variant.
Genome position (GRCh38, 1-based): chr7:92,022,281, A>G. VCF-style: chr7-92022281-A-G. GRCh37 (hg19) VCF-style: chr7-91651595-A-G.
Other names: c.3881A>G, p.Glu1294Gly (NM_147185.3); short protein forms E1294G.
Identifiers: ClinVar variation 1946460 (VCV001946460.5), dbSNP rs2484748142, ClinGen allele CA368127466.
Genomic context (GRCh38, chr7:92,022,281, plus strand): 5'-TCTGTGGTTTTCAATAGATCTGGGGACAGCAGACAGATGGTATGAAACTTGAATTTGGAG[A>G]AGAAAACCTTCCAAAAGAGGAAACAGAGTTTTTATCAATCCATTCTCAGATGACCAATTT-3'
Protein context (NP_005742.4, residues 1284-1304): QTDGMKLEFG[Glu1294Gly]ENLPKEETEF